The following is an entry in ClinVar:

NC_000001.11:g.170532158_170532179dup

Genes: GORAB (golgin, RAB6 interacting; plus strand), GORAB-AS1 (GORAB antisense RNA 1; minus strand). Cytogenetic location: 1q24.2.
Variant type: Duplication.
Genome position: GRCh38 VCF-style: chr1-170532155-T-TGGGCAGCAGTGTTGGCAGTCGC. GRCh37 (hg19) VCF-style: chr1-170501296-T-TGGGCAGCAGTGTTGGCAGTCGC.
Identifiers: ClinVar variation 2792725 (VCV002792725.3), dbSNP rs1648707586, ClinGen allele CA1009046265.

ClinVar aggregate classification (germline): Pathogenic (1 of 4 stars; one submission).

Submission:

Labcorp Genetics (formerly Invitae), Labcorp
Classification: Pathogenic. Last evaluated: 2022-12-17. Review status: criteria provided, single submitter. Criteria: Invitae Variant Classification Sherloc (09022015). Collection method: clinical testing. Allele origin: germline.
Comment: This sequence change creates a premature translational stop signal (p.Ala11Glyfs*32) in the GORAB gene. It is expected to result in an absent or disrupted protein product. Loss-of-function variants in GORAB are known to be pathogenic (PMID: 18997784, 19681135). This variant is not present in population databases (gnomAD no frequency). This variant has not been reported in the literature in individuals affected with GORAB-related conditions. For these reasons, this variant has been classified as Pathogenic.

Literature cited by the submitters: PubMed 18997784; PubMed 19681135.